The following is an entry in ClinVar:

ClinVar aggregate classification (germline): Likely benign. Review status: criteria provided, multiple submitters, no conflicts (2 of 4 stars). 2 submissions from 2 submitters: Likely benign (2). Last evaluated 2025-09-28.

Conditions:
SLC6A3-related disorder. Also called: SLC6A3-related condition.
Parkinsonism-dystonia, infantile. Identifiers: Orphanet 238455, MedGen C2751067, MONDO:0013150.

gnomAD v4.1: 82 of 1,614,092 alleles (0.0051%); highest among the groups gnomAD compares: Middle Eastern, 0.033%; no homozygotes.

Submissions (2):

Labcorp Genetics (formerly Invitae), Labcorp
Classification: Likely benign for Parkinsonism-dystonia, infantile. Last evaluated: 2025-09-28. Review status: criteria provided, single submitter. Criteria: Invitae Variant Classification Sherloc (09022015). Collection method: clinical testing. Allele origin: germline.

PreventionGenetics, part of Exact Sciences
Classification: Likely benign for SLC6A3-related condition. Last evaluated: 2024-10-20. Review status: criteria provided, single submitter. Criteria: ACMG Guidelines, 2015. Collection method: clinical testing. Allele origin: germline.
Comment: This variant is classified as likely benign based on ACMG/AMP sequence variant interpretation guidelines (Richards et al. 2015 PMID: 25741868, with internal and published modifications).

NM_001044.5(SLC6A3):c.570G>A (p.Ser190=)

Gene: SLC6A3 (solute carrier family 6 member 3). Cytogenetic location: 5p15.33.
Variant type: single nucleotide variant.
Coding change: c.570G>A on transcript NM_001044.5 (MANE Select); coding-DNA position 570, G replaced by A.
Protein change: p.Ser190=; no amino-acid change (serine 190 retained).
Molecular consequence: synonymous variant.
Genome position (GRCh38, 1-based): chr5:1,432,547, C>T on the plus strand (G>A on the coding strand, the complement: SLC6A3 is on the minus strand). VCF-style: chr5-1432547-C-T. GRCh37 (hg19) VCF-style: chr5-1432662-C-T.
Other names: c.570G>A (NM_001044.4).
Identifiers: ClinVar variation 4701743 (VCV004701743.2).
Genomic context (GRCh38, chr5:1,432,547, plus strand): 5'-GGTCCCAAAAGTGTCGTTGAGGCCCGAGCTGTCTCCACTGGAGTCACCAGGATGGGCATC[C>T]GAGCAGTTGGGGCTGTTCCAGGAGTTGTTGCAGTGGATCCAGGGGAGCTCCGTGGTGAAG-3'
Protein context (NP_001035.1, residues 180-200): CNNSWNSPNC[Ser190=]DAHPGDSSGD